The following is an entry in ClinVar:

NM_014239.4(EIF2B2):c.742G>A (p.Val248Met)

Gene: EIF2B2 (eukaryotic translation initiation factor 2B subunit beta; plus strand). Cytogenetic location: 14q24.3.
Variant type: single nucleotide variant.
Coding change: c.742G>A on transcript NM_014239.4 (MANE Select); coding-DNA position 742, G replaced by A.
Protein change: p.Val248Met; replaces valine 248 with methionine.
Molecular consequence: missense variant.
Genome position (GRCh38, 1-based): chr14:75,006,625, G>A. VCF-style: chr14-75006625-G-A. GRCh37 (hg19) VCF-style: chr14-75473328-G-A.
Other names: c.742G>A (NM_014239.3); short protein forms V248M.
Identifiers: ClinVar variation 1909159 (VCV001909159.6), dbSNP rs956852835, ClinGen allele CA263655371.
Genomic context (GRCh38, chr14:75,006,625, plus strand): 5'-CTTGTCCCAAAGGTGATCATTGGCACGAAGACCATCCTGGCCAATGGGGCCCTGAGAGCT[G>A]TGACAGGAACTCACACTCTGGCACTGGCAGCAAAACACCATTCCACCCCACTCATCGTCT-3'
Protein context (NP_055054.1, residues 238-258): TILANGALRA[Val248Met]TGTHTLALAA

ClinVar aggregate classification (germline): Uncertain significance. Review status: criteria provided, multiple submitters, no conflicts (2 of 4 stars). 2 submissions from 2 submitters: Uncertain significance (2). Last evaluated 2024-11-09.

Conditions:
Inborn genetic diseases. Identifiers: MedGen C0950123, MeSH D030342.

Allele frequency attached by ClinVar (database versions not stated): gnomAD exomes below 0.00001; gnomAD 0.00001; TOPMed 0.00001.
gnomAD v4.1: 3 of 1,614,024 alleles (0.00019%); highest among the groups gnomAD compares: Non-Finnish European, 0.00025%; no homozygotes.

Submissions (2):

Ambry Genetics
Classification: Uncertain significance for Inborn genetic diseases. Last evaluated: 2024-11-09. Review status: criteria provided, single submitter. Criteria: Ambry Variant Classification Scheme 2023. Collection method: clinical testing. Allele origin: germline.

Labcorp Genetics (formerly Invitae), Labcorp
Classification: Uncertain significance. Last evaluated: 2022-04-24. Review status: criteria provided, single submitter. Criteria: Invitae Variant Classification Sherloc (09022015). Collection method: clinical testing. Allele origin: germline.
Comment: This sequence change replaces valine, which is neutral and non-polar, with methionine, which is neutral and non-polar, at codon 248 of the EIF2B2 protein (p.Val248Met). This variant is present in population databases (no rsID available, gnomAD 0.0009%). This variant has not been reported in the literature in individuals affected with EIF2B2-related conditions. Algorithms developed to predict the effect of missense changes on protein structure and function (SIFT, PolyPhen-2, Align-GVGD) all suggest that this variant is likely to be tolerated. In summary, the available evidence is currently insufficient to determine the role of this variant in disease. Therefore, it has been classified as a Variant of Uncertain Significance.